The following is an entry in ClinVar:

NM_198578.4(LRRK2):c.826A>G (p.Arg276Gly)

Gene: LRRK2 (leucine rich repeat kinase 2; plus strand). Cytogenetic location: 12q12.
Variant type: single nucleotide variant.
Coding change: c.826A>G on transcript NM_198578.4 (MANE Select); coding-DNA position 826, A replaced by G.
Protein change: p.Arg276Gly; replaces arginine 276 with glycine.
Molecular consequence: missense variant.
Genome position (GRCh38, 1-based): chr12:40,243,669, A>G. VCF-style: chr12-40243669-A-G. GRCh37 (hg19) VCF-style: chr12-40637471-A-G.
Other names: short protein forms R276G.
Identifiers: ClinVar variation 2453037 (VCV002453037.2), dbSNP rs2499456486, ClinGen allele CA384406124.

ClinVar aggregate classification (germline): Uncertain significance (1 of 4 stars; one submission).

Conditions:
Inborn genetic diseases. Identifiers: MedGen C0950123, MeSH D030342.

Submission:

Ambry Genetics
Classification: Uncertain significance for Inborn genetic diseases. Last evaluated: 2022-12-04. Review status: criteria provided, single submitter. Criteria: Ambry Variant Classification Scheme 2023. Collection method: clinical testing. Allele origin: germline.
Comment: The p.R276G variant (also known as c.826A>G), located in coding exon 7 of the LRRK2 gene, results from an A to G substitution at nucleotide position 826. The arginine at codon 276 is replaced by glycine, an amino acid with dissimilar properties. This amino acid position is conserved. In addition, the in silico prediction for this alteration is inconclusive. Since supporting evidence is limited at this time, the clinical significance of this alteration remains unclear.